The following is an entry in ClinVar:

ClinVar aggregate classification (germline): Likely benign. Review status: criteria provided, multiple submitters, no conflicts (2 of 4 stars). 4 submissions from 4 submitters: Likely benign (4). Last evaluated 2025-03-01.

Conditions:
Inborn genetic diseases. Identifiers: MedGen C0950123, MeSH D030342.

Allele frequency attached by ClinVar (database versions not stated): gnomAD exomes 0.00002; ExAC 0.00003; TOPMed 0.00003; gnomAD 0.00005 and 0.00006.
gnomAD v4.1: 40 of 1,614,072 alleles (0.0025%); highest among the groups gnomAD compares: Admixed American, 0.0083%; 1 homozygote.

Submissions (4):

CeGaT Center for Human Genetics Tuebingen
Classification: Likely benign. Last evaluated: 2025-03-01. Review status: criteria provided, single submitter. Criteria: CeGaT Center For Human Genetics Tuebingen Variant Classification Criteria Version 2. Collection method: clinical testing. Allele origin: germline. Affected: yes. Observed: 1 variant allele.
Comment: FLNB: BP4, BP7

Labcorp Genetics (formerly Invitae), Labcorp
Classification: Likely benign. Last evaluated: 2024-09-17. Review status: criteria provided, single submitter. Criteria: Invitae Variant Classification Sherloc (09022015). Collection method: clinical testing. Allele origin: germline.

Blueprint Genetics
Classification: Likely benign. Last evaluated: 2024-09-13. Review status: criteria provided, single submitter. Criteria: ACMG Guidelines, 2015. Collection method: clinical testing. Allele origin: germline.

Ambry Genetics
Classification: Likely benign for Inborn genetic diseases. Last evaluated: 2024-01-16. Review status: criteria provided, single submitter. Criteria: Ambry Variant Classification Scheme 2023. Collection method: clinical testing. Allele origin: germline.

NM_001457.4(FLNB):c.6321C>T (p.Ser2107=)

Gene: FLNB (filamin B; plus strand). Cytogenetic location: 3p14.3.
Variant type: single nucleotide variant.
Coding change: c.6321C>T on transcript NM_001457.4 (MANE Select); coding-DNA position 6321, C replaced by T.
Protein change: p.Ser2107=; no amino-acid change (serine 2107 retained).
Molecular consequence: synonymous variant.
Genome position (GRCh38, 1-based): chr3:58,150,181, C>T. VCF-style: chr3-58150181-C-T. GRCh37 (hg19) VCF-style: chr3-58135908-C-T.
Other names: c.6321C>T (NM_001457.3); c.6414C>T, p.Ser2138= (NM_001164317.2); c.6288C>T, p.Ser2096= (NM_001164318.2); c.6249C>T, p.Ser2083= (NM_001164319.2).
Identifiers: ClinVar variation 1569635 (VCV001569635.17), dbSNP rs749772889, ClinGen allele CA2469317.
Genomic context (GRCh38, chr3:58,150,181, plus strand): 5'-GAAGATCAGTGGGGAGGGAAGAGTCAAAGAGAGCATCACCCGCACCAGTCGGGCCCCGTC[C>T]GTGGCCACTGTCGGGAGCATTTGTGACCTGAACCTGAAAATCCCAGGTGGGCGTCGGGGA-3'
Protein context (NP_001448.2, residues 2097-2117): ESITRTSRAP[Ser2107=]VATVGSICDL